The following is an entry in ClinVar:

ClinVar aggregate classification (germline): Pathogenic (1 of 4 stars; one submission).

Conditions:
Congenital muscular dystrophy due to integrin alpha-7 deficiency. Also called: Congenital muscular dystrophy with integrin alpha-7 deficiency; Muscular dystrophy, congenital, due to ITGA7 deficiency; MYOPATHY, CONGENITAL, DUE TO INTEGRIN ALPHA-7 DEFICIENCY. Identifiers: Orphanet 34520, MedGen C2750786, MONDO:0013177, OMIM 613204.

Allele frequency attached by ClinVar (database versions not stated): gnomAD 0.00001; TOPMed 0.00001; ESP Exome Variant Server 0.00008.

Submission:

Labcorp Genetics (formerly Invitae), Labcorp
Classification: Pathogenic for Congenital muscular dystrophy due to integrin alpha-7 deficiency. Last evaluated: 2022-10-05. Review status: criteria provided, single submitter. Criteria: Invitae Variant Classification Sherloc (09022015). Collection method: clinical testing. Allele origin: germline.
Comment: For these reasons, this variant has been classified as Pathogenic. ClinVar contains an entry for this variant (Variation ID: 1072841). This variant has not been reported in the literature in individuals affected with ITGA7-related conditions. This variant is present in population databases (rs147648235, gnomAD 0.002%). This sequence change creates a premature translational stop signal (p.Gln700*) in the ITGA7 gene. It is expected to result in an absent or disrupted protein product. Loss-of-function variants in ITGA7 are known to be pathogenic (PMID: 9590299).

Literature cited by the submitters: PubMed 9590299.

NM_002206.3(ITGA7):c.2098C>T (p.Gln700Ter)

Genes: ITGA7 (integrin subunit alpha 7; minus strand), LOC126861535 (CDK7 strongly-dependent group 2 enhancer GRCh37_chr12:56087579-56088778; plus strand). Cytogenetic location: 12q13.2.
Variant type: single nucleotide variant.
Coding change: c.2098C>T on transcript NM_002206.3 (MANE Select); coding-DNA position 2098, C replaced by T.
Protein change: p.Gln700Ter; replaces glutamine 700 with a stop codon.
Molecular consequence: nonsense.
Genome position (GRCh38, 1-based): chr12:55,694,876, G>A on the plus strand (C>T on the coding strand, the complement: ITGA7 is on the minus strand). VCF-style: chr12-55694876-G-A. GRCh37 (hg19) VCF-style: chr12-56088660-G-A.
Other names: c.2110C>T, p.Gln704Ter (NM_001144996.2); c.1819C>T, p.Gln607Ter (NM_001144997.2); c.1771C>T, p.Gln591Ter (NM_001367993.1); c.754C>T, p.Gln252Ter (NM_001367994.1); c.2080C>T, p.Gln694Ter (NM_001374465.1); c.2230C>T, p.Gln744Ter (NM_001410977.1); c.2092C>T, p.Gln698Ter (NM_001414029.1); c.2023C>T, p.Gln675Ter (NM_001414030.1); and 4 more; short protein forms Q252*, Q591*, Q607*, Q694*, Q700*, Q704*, Q744*, Q587*.
Identifiers: ClinVar variation 1072841 (VCV001072841.8), dbSNP rs147648235, ClinGen allele CA237569250.